The following is an entry in ClinVar:

NM_000158.4(GBE1):c.143+6G>A

Gene: GBE1 (1,4-alpha-glucan branching enzyme 1; minus strand). Cytogenetic location: 3p12.2.
Variant type: single nucleotide variant.
Coding change: c.143+6G>A on transcript NM_000158.4 (MANE Select); 6 bases into the intron after coding-DNA position 143, G replaced by A.
Molecular consequence: intron variant.
Genome position (GRCh38, 1-based): chr3:81,761,369, C>T on the plus strand (G>A on the coding strand, the complement: GBE1 is on the minus strand). VCF-style: chr3-81761369-C-T. GRCh37 (hg19) VCF-style: chr3-81810520-C-T.
Identifiers: ClinVar variation 391376 (VCV000391376.5), dbSNP rs371048718, ClinGen allele CA2500078.
Genomic context (GRCh38, chr3:81,761,369, plus strand): 5'-GTCCCGAGACGGCTCCTGGGAGGCGGGCTGCCTGTCTAAGTGGGGGTGGTGGGATTCCGG[C>T]GGTACCTGCGCTGGAAGTCCACGGCGTAGGGCTTCAAGTACGGGTCGATCTCCAGGAGTC-3'

ClinVar aggregate classification (germline): Conflicting classifications of pathogenicity. Review status: criteria provided, conflicting classifications (1 of 4 stars). 3 submissions from 3 submitters: Uncertain significance (1); Likely benign (1). 1 of the submissions does not count toward it. Last evaluated 2022-08-09.

Conditions:
GBE1-related disorder. Also called: GBE1-related condition; GBE1-related disorders. Identifiers: MedGen CN239402.
Glycogen storage disease, type IV (GSD4). Also called: BRANCHER DEFICIENCY; CIRRHOSIS, FAMILIAL, WITH DEPOSITION OF ABNORMAL GLYCOGEN; Glycogen storage disease due to glycogen branching enzyme deficiency; AMYLOPECTINOSIS; ANDERSEN DISEASE; GBE1 DEFICIENCY. Identifiers: Orphanet 367, MedGen C0017923, MONDO:0009292, OMIM 232500.
Glycogen storage disease IV, classic hepatic. Also called: GSD IV, CLASSIC HEPATIC. Identifiers: MedGen C1856301.

Allele frequency attached by ClinVar (database versions not stated): gnomAD exomes 0.00001 and 0.00008; TOPMed 0.00002; gnomAD 0.00003 and 0.00007; ExAC 0.00007; 1000 Genomes Project 30x 0.00016; 1000 Genomes Project 0.00020.
gnomAD v4.1: 40 of 1,603,166 alleles (0.0025%); highest among the groups gnomAD compares: East Asian, 0.039%; no homozygotes.

Submissions (3):

Labcorp Genetics (formerly Invitae), Labcorp
Classification: Uncertain significance for Glycogen storage disease, type IV; Glycogen storage disease IV, classic hepatic. Last evaluated: 2022-08-09. Review status: criteria provided, single submitter. Criteria: Invitae Variant Classification Sherloc (09022015). Collection method: clinical testing. Allele origin: germline.
Comment: This sequence change falls in intron 1 of the GBE1 gene. It does not directly change the encoded amino acid sequence of the GBE1 protein. It affects a nucleotide within the consensus splice site. This variant is present in population databases (rs371048718, gnomAD 0.1%). This variant has not been reported in the literature in individuals affected with GBE1-related conditions. ClinVar contains an entry for this variant (Variation ID: 391376). Variants that disrupt the consensus splice site are a relatively common cause of aberrant splicing (PMID: 17576681, 9536098). Algorithms developed to predict the effect of sequence changes on RNA splicing suggest that this variant is not likely to affect RNA splicing. In summary, the available evidence is currently insufficient to determine the role of this variant in disease. Therefore, it has been classified as a Variant of Uncertain Significance.

GeneDx
Classification: Likely benign. Last evaluated: 2016-12-15. Review status: criteria provided, single submitter. Criteria: GeneDx Variant Classification (06012015). Collection method: clinical testing. Allele origin: germline. Affected: yes.
Comment: This variant is considered likely benign or benign based on one or more of the following criteria: it is a conservative change, it occurs at a poorly conserved position in the protein, it is predicted to be benign by multiple in silico algorithms, and/or has population frequency not consistent with disease.

PreventionGenetics, part of Exact Sciences
Classification: Likely benign for GBE1-related condition. Last evaluated: 2022-08-15. Review status: no assertion criteria provided. Collection method: clinical testing. Allele origin: germline. Not counted in ClinVar's aggregate classification.
Comment: This variant is classified as likely benign based on ACMG/AMP sequence variant interpretation guidelines (Richards et al. 2015 PMID: 25741868, with internal and published modifications).

Literature cited by the submitters: PubMed 17576681 (cited by Labcorp Genetics (formerly Invitae), Labcorp); PubMed 9536098 (cited by Labcorp Genetics (formerly Invitae), Labcorp).